The following is an entry in ClinVar:

ClinVar aggregate classification (germline): Likely benign. Review status: criteria provided, single submitter (1 of 4 stars). 2 submissions from 2 submitters: Likely benign (1). 1 of the submissions does not count toward it. Last evaluated 2024-09-04.

Conditions:
CTSC-related disorder. Also called: CTSC-related disorders; CTSC-related condition. Identifiers: MedGen CN375926, MONDO:0800465.

Allele frequency attached by ClinVar (database versions not stated): gnomAD exomes 0.00004; ExAC 0.00014; ESP Exome Variant Server 0.00023; 1000 Genomes Project 30x 0.00031; 1000 Genomes Project 0.00040; gnomAD 0.00041; TOPMed 0.00041.
gnomAD v4.1: 124 of 1,596,322 alleles (0.0078%); highest among the groups gnomAD compares: African/African-American, 0.14%; no homozygotes.

Submissions (2):

Blueprint Genetics
Classification: Likely benign. Last evaluated: 2024-09-04. Review status: criteria provided, single submitter. Criteria: ACMG Guidelines, 2015. Collection method: clinical testing. Allele origin: germline.

PreventionGenetics, part of Exact Sciences
Classification: Likely benign for CTSC-related condition. Last evaluated: 2019-07-30. Review status: no assertion criteria provided. Collection method: clinical testing. Allele origin: germline. Not counted in ClinVar's aggregate classification.
Comment: This variant is classified as likely benign based on ACMG/AMP sequence variant interpretation guidelines (Richards et al. 2015 PMID: 25741868, with internal and published modifications).

NM_001814.6(CTSC):c.318+6733C>T

Gene: CTSC (cathepsin C; minus strand). Cytogenetic location: 11q14.2.
Variant type: single nucleotide variant.
Coding change: c.318+6733C>T on transcript NM_001814.6 (MANE Select); 6733 bases into the intron after coding-DNA position 318, C replaced by T.
Molecular consequence: intron variant.
Genome position (GRCh38, 1-based): chr11:88,328,204, G>A on the plus strand (C>T on the coding strand, the complement: CTSC is on the minus strand). VCF-style: chr11-88328204-G-A. GRCh37 (hg19) VCF-style: chr11-88061372-G-A.
Other names: c.319-8C>T (NM_001114173.3, NM_148170.5).
Identifiers: ClinVar variation 3035650 (VCV003035650.3), dbSNP rs143217741, ClinGen allele CA6220046.
Genomic context (GRCh38, chr11:88,328,204, plus strand): 5'-ATCCCCACAGTTCCCAGCTGCATGAACAAATGACTGATAAAATCAGTGACATCCTACAAA[G>A]AGTTTACAATGGTAAACTGAGTCATTATGTTGAGATTAAGCATCATCATGAAAGAAGACA-3'